The following is an entry in ClinVar:

NM_001101362.3(KBTBD13):c.444C>G (p.Tyr148Ter)

Gene: KBTBD13 (kelch repeat and BTB domain containing 13; plus strand). Cytogenetic location: 15q22.31.
Variant type: single nucleotide variant.
Coding change: c.444C>G on transcript NM_001101362.3 (MANE Select); coding-DNA position 444, C replaced by G.
Protein change: p.Tyr148Ter; replaces tyrosine 148 with a stop codon.
Molecular consequence: nonsense.
Genome position (GRCh38, 1-based): chr15:65,077,259, C>G. VCF-style: chr15-65077259-C-G. GRCh37 (hg19) VCF-style: chr15-65369597-C-G.
Other names: short protein forms Y148*.
Identifiers: ClinVar variation 2119027 (VCV002119027.4), dbSNP rs1474666301, ClinGen allele CA392860775.

ClinVar aggregate classification (germline): Uncertain significance (1 of 4 stars; one submission).

Conditions:
Nemaline myopathy 6 (NEM6). Also called: Nemaline myopathy 6, autosomal dominant. Identifiers: Orphanet 171439, MedGen C1836472, MONDO:0012237, OMIM 609273.

Submission:

Labcorp Genetics (formerly Invitae), Labcorp
Classification: Uncertain significance for Nemaline myopathy 6. Last evaluated: 2022-04-04. Review status: criteria provided, single submitter. Criteria: Invitae Variant Classification Sherloc (09022015). Collection method: clinical testing. Allele origin: germline.
Comment: This sequence change creates a premature translational stop signal (p.Tyr148*) in the KBTBD13 gene. While this is not anticipated to result in nonsense mediated decay, it is expected to disrupt the last 311 amino acid(s) of the KBTBD13 protein. This variant is not present in population databases (gnomAD no frequency). This variant has not been reported in the literature in individuals affected with KBTBD13-related conditions. Experimental studies and prediction algorithms are not available or were not evaluated, and the functional significance of this variant is currently unknown. In summary, the available evidence is currently insufficient to determine the role of this variant in disease. Therefore, it has been classified as a Variant of Uncertain Significance.